The following is an entry in ClinVar:

NM_203486.3(DLL3):c.779C>A (p.Pro260His)

Gene: DLL3 (delta like canonical Notch ligand 3; plus strand). Cytogenetic location: 19q13.2.
Variant type: single nucleotide variant.
Coding change: c.779C>A on transcript NM_203486.3 (MANE Select); coding-DNA position 779, C replaced by A.
Protein change: p.Pro260His; replaces proline 260 with histidine.
Molecular consequence: missense variant.
Genome position (GRCh38, 1-based): chr19:39,504,197, C>A. VCF-style: chr19-39504197-C-A. GRCh37 (hg19) VCF-style: chr19-39994837-C-A.
Other names: c.779C>A, p.Pro260His (NM_016941.4); short protein forms P260H.
Identifiers: ClinVar variation 329234 (VCV000329234.8), dbSNP rs748649010, ClinGen allele CA9432263.

ClinVar aggregate classification (germline): Uncertain significance. Review status: criteria provided, multiple submitters, no conflicts (2 of 4 stars). 4 submissions from 3 submitters: Uncertain significance (4). Last evaluated 2023-10-25.

Conditions:
Spondylocostal dysostosis 1, autosomal recessive (SCDO1). Also called: DLL3-Related Spondylocostal Dysostosis, Autosomal Recessive. Identifiers: Orphanet 2311, MedGen CN032975, MONDO:0020692, OMIM 277300.
Inborn genetic diseases. Identifiers: MedGen C0950123, MeSH D030342.
Syndactyly. Also called: Webbed fingers or toes. Identifiers: MedGen C0039075, MONDO:0021002, HP:0001159.

Allele frequency attached by ClinVar (database versions not stated): gnomAD 0.00001; TOPMed 0.00001; gnomAD exomes 0.00002; ExAC 0.00003.
gnomAD v4.1: 33 of 1,612,568 alleles (0.002%); highest among the groups gnomAD compares: Middle Eastern, 0.082%; 1 homozygote.

Submissions (4):

Ambry Genetics
Classification: Uncertain significance for Inborn genetic diseases. Last evaluated: 2023-10-25. Review status: criteria provided, single submitter. Criteria: Ambry Variant Classification Scheme 2023. Collection method: clinical testing. Allele origin: germline.

Labcorp Genetics (formerly Invitae), Labcorp
Classification: Uncertain significance. Last evaluated: 2022-08-31. Review status: criteria provided, single submitter. Criteria: Invitae Variant Classification Sherloc (09022015). Collection method: clinical testing. Allele origin: germline.
Comment: This sequence change replaces proline, which is neutral and non-polar, with histidine, which is basic and polar, at codon 260 of the DLL3 protein (p.Pro260His). This variant is present in population databases (rs748649010, gnomAD 0.004%), including at least one homozygous and/or hemizygous individual. This variant has not been reported in the literature in individuals affected with DLL3-related conditions. ClinVar contains an entry for this variant (Variation ID: 329234). Algorithms developed to predict the effect of missense changes on protein structure and function are either unavailable or do not agree on the potential impact of this missense change (SIFT: "Tolerated"; PolyPhen-2: "Possibly Damaging"; Align-GVGD: "Class C0"). In summary, the available evidence is currently insufficient to determine the role of this variant in disease. Therefore, it has been classified as a Variant of Uncertain Significance.

Illumina Laboratory Services, Illumina
Classification: Uncertain significance for Spondylocostal dysostosis 1, autosomal recessive. Last evaluated: 2018-01-12. Review status: criteria provided, single submitter. Criteria: ICSL Variant Classification Criteria 13 December 2019. Collection method: clinical testing. Allele origin: germline.

Illumina Laboratory Services, Illumina
Classification: Uncertain significance for Non-syndromic syndactyly. Last evaluated: 2018-01-12. Review status: criteria provided, single submitter. Criteria: ICSL Variant Classification Criteria 13 December 2019. Collection method: clinical testing. Allele origin: germline.